The following is an entry in ClinVar:

ClinVar aggregate classification (germline): Uncertain significance (1 of 4 stars; one submission).

Submission:

Labcorp Genetics (formerly Invitae), Labcorp
Classification: Uncertain significance. Last evaluated: 2019-05-06. Review status: criteria provided, single submitter. Criteria: Invitae Variant Classification Sherloc (09022015). Collection method: clinical testing. Allele origin: germline.
Comment: This variant is a gross duplication of the genomic region encompassing exons 4-9 of the SMARCB1 gene. The 5' boundary is likely confined to intron 3. The 3' end of this event is unknown as it extends beyond the assayed region for this gene and therefore may encompass additional genes. The exact location of this variant in the genome is unknown. This variant has not been reported in the literature in individuals with SMARCB1-related disease. Experimental studies and prediction algorithms are not available for this variant, and the functional significance of the duplicated sequence is currently unknown. In summary, the available evidence is currently insufficient to determine the role of this variant in disease. Therefore, it has been classified as a Variant of Uncertain Significance.

NC_000022.10:g.(?_24143121)_(24176377_?)dup

Gene: SMARCB1 (SWI/SNF related BAF chromatin remodeling complex subunit B1; plus strand). Cytogenetic location: 22q11.23.
Variant type: Duplication.
Identifiers: ClinVar variation 645866 (VCV000645866.2).